The following is an entry in ClinVar:

ClinVar aggregate classification (germline): Uncertain significance (1 of 4 stars; one submission).

gnomAD v4.1: 1 of 1,612,520 alleles (0.000062%); highest among the groups gnomAD compares: Non-Finnish European, 0.000085%; no homozygotes.

Submission:

ARUP Laboratories, Molecular Genetics and Genomics, ARUP Laboratories
Classification: Uncertain significance. Last evaluated: 2024-05-07. Review status: criteria provided, single submitter. Criteria: ARUP Molecular Germline Variant Investigation Process 2024. Collection method: clinical testing. Allele origin: germline.
Comment: The CFTR c.3170C>T; p.Thr1057Ile variant, to our knowledge, is not reported in the medical literature or gene specific databases. This variant is also absent from the Genome Aggregation Database (v2.1.1), indicating it is not a common polymorphism. Computational analyses are uncertain whether this variant is neutral or deleterious (REVEL: 0.487). Due to limited information, the clinical significance of this variant is uncertain at this time.

NM_000492.4(CFTR):c.3170C>T (p.Thr1057Ile)

Genes: CFTR (CF transmembrane conductance regulator; plus strand), CFTR-AS2 (CFTR antisense RNA 2; minus strand), LOC111674472 (DNase I hypersensitive sites in introns 16 and 17a of CFTR; plus strand). Cytogenetic location: 7q31.2.
Variant type: single nucleotide variant.
Coding change: c.3170C>T on transcript NM_000492.4 (MANE Select); coding-DNA position 3170, C replaced by T.
Protein change: p.Thr1057Ile; replaces threonine 1057 with isoleucine.
Molecular consequence: missense variant.
Genome position (GRCh38, 1-based): chr7:117,611,611, C>T. VCF-style: chr7-117611611-C-T. GRCh37 (hg19) VCF-style: chr7-117251665-C-T.
Other names: short protein forms T1057I.
Identifiers: ClinVar variation 3766605 (VCV003766605.1).